The following is an entry in ClinVar:

ClinVar aggregate classification (germline): Uncertain significance (1 of 4 stars; one submission).

Submission:

Labcorp Genetics (formerly Invitae), Labcorp
Classification: Uncertain significance. Last evaluated: 2026-01-05. Review status: criteria provided, single submitter. Criteria: Invitae Variant Classification Sherloc (09022015). Collection method: clinical testing. Allele origin: germline.
Comment: This sequence change replaces aspartic acid, which is acidic and polar, with asparagine, which is neutral and polar, at codon 378 of the USH1G protein (p.Asp378Asn). This variant is not present in population databases (gnomAD no frequency). This variant has not been reported in the literature in individuals affected with USH1G-related conditions. ClinVar contains an entry for this variant (Variation ID: 1411395). Invitae Evidence Modeling of protein sequence and biophysical properties (such as structural, functional, and spatial information, amino acid conservation, physicochemical variation, residue mobility, and thermodynamic stability) indicates that this missense variant is not expected to disrupt USH1G protein function with a negative predictive value of 80%. In summary, the available evidence is currently insufficient to determine the role of this variant in disease. Therefore, it has been classified as a Variant of Uncertain Significance.

NM_173477.5(USH1G):c.1132G>A (p.Asp378Asn)

Gene: USH1G (USH1 protein network component sans; minus strand). Cytogenetic location: 17q25.1.
Variant type: single nucleotide variant.
Coding change: c.1132G>A on transcript NM_173477.5 (MANE Select); coding-DNA position 1132, G replaced by A.
Protein change: p.Asp378Asn; replaces aspartic acid 378 with asparagine.
Molecular consequence: missense variant.
Genome position (GRCh38, 1-based): chr17:74,919,704, C>T on the plus strand (G>A on the coding strand, the complement: USH1G is on the minus strand). VCF-style: chr17-74919704-C-T. GRCh37 (hg19) VCF-style: chr17-72915799-C-T.
Other names: c.823G>A, p.Asp275Asn (NM_001282489.3); short protein forms D275N, D378N.
Identifiers: ClinVar variation 1411395 (VCV001411395.6), dbSNP rs758319467, ClinGen allele CA400961610.
Genomic context (GRCh38, chr17:74,919,704, plus strand): 5'-AGGCCAGGAAGGTCTCCAGCGGGCTAGTCTCGGGCTCCAGGTCCTCGTCCAAGCCTAAAT[C>T]GAGCTCATCCCAGGGCAGCTCCTCCCCACAGCTGCGGTCCTGCAGGCTGTTGGCACTGCC-3'
Protein context (NP_775748.2, residues 368-388): CGEELPWDEL[Asp378Asn]LGLDEDLEPE